The following is an entry in ClinVar:

ClinVar aggregate classification (germline): Pathogenic (1 of 4 stars; one submission).

Conditions:
Jeune thoracic dystrophy. Also called: Short-rib thoracic dysplasia; Jeune syndrome; Infantile thoracic dystrophy; Thoracic pelvic phalangeal dystrophy; Jeune's syndrome; Chondroectodermal dysplasia-like syndrome. Identifiers: Orphanet 474, MedGen C0265275, MONDO:0018770.

Submission:

Labcorp Genetics (formerly Invitae), Labcorp
Classification: Pathogenic for Jeune thoracic dystrophy. Last evaluated: 2025-11-25. Review status: criteria provided, single submitter. Criteria: Invitae Variant Classification Sherloc (09022015). Collection method: clinical testing. Allele origin: germline.
Comment: This sequence change creates a premature translational stop signal (p.Ala590Valfs*7) in the IFT80 gene. It is expected to result in an absent or disrupted protein product. Loss-of-function variants in IFT80 are known to be pathogenic (PMID: 21227999, 23339108, 29068549). This variant is present in population databases (rs769040891, gnomAD 0.0009%). This variant has not been reported in the literature in individuals affected with IFT80-related conditions. Algorithms developed to predict the effect of sequence changes on RNA splicing suggest that this variant may disrupt the consensus splice site. For these reasons, this variant has been classified as Pathogenic.

Literature cited by the submitters: PubMed 21227999; PubMed 23339108; PubMed 29068549.

NM_020800.3(IFT80):c.1769del (p.Ala590fs)

Genes: IFT80 (intraflagellar transport 80; minus strand), TRIM59-IFT80 (TRIM59-IFT80 readthrough (NMD candidate); minus strand). Cytogenetic location: 3q25.33.
Variant type: Deletion.
Coding change: c.1769del on transcript NM_020800.3 (MANE Select); coding-DNA position 1769, one base deleted (C; older notation c.1769delC).
Protein change: p.Ala590fs; shifts the reading frame from alanine 590.
Molecular consequence: frameshift variant. On other transcripts: non-coding transcript variant (3).
Genome position (GRCh38, 1-based): chr3:160,279,260, G deleted on the plus strand (C on the coding strand, the reverse complement: IFT80 is on the minus strand). VCF-style (leftmost placement, unchanged base first): chr3-160279259-AG-A. GRCh37 (hg19) VCF-style: chr3-159997047-AG-A.
Other names: c.1358del, p.Ala453fs (NM_001190241.2, NM_001190242.2); short protein forms A453fs, A590fs.
Identifiers: ClinVar variation 4706112 (VCV004706112.1).